The following is an entry in ClinVar:

NM_015559.3(SETBP1):c.667T>C (p.Ser223Pro)

Gene: SETBP1 (SET binding protein 1; plus strand). Cytogenetic location: 18q12.3.
Variant type: single nucleotide variant.
Coding change: c.667T>C on transcript NM_015559.3 (MANE Select); coding-DNA position 667, T replaced by C.
Protein change: p.Ser223Pro; replaces serine 223 with proline.
Molecular consequence: missense variant.
Genome position (GRCh38, 1-based): chr18:44,950,007, T>C. VCF-style: chr18-44950007-T-C. GRCh37 (hg19) VCF-style: chr18-42529972-T-C.
Other names: c.667T>C, p.Ser223Pro (NM_001379141.1, NM_001379142.1); short protein forms S223P.
Identifiers: ClinVar variation 1510046 (VCV001510046.6), dbSNP rs2071299377, ClinGen allele CA402316580.

ClinVar aggregate classification (germline): Uncertain significance (1 of 4 stars; one submission).

Allele frequency attached by ClinVar (database versions not stated): gnomAD 0.00001; TOPMed 0.00002.
gnomAD v4.1: 1 of 1,613,946 alleles (0.000062%); highest among the groups gnomAD compares: African/African-American, 0.0013%; no homozygotes.

Submission:

Labcorp Genetics (formerly Invitae), Labcorp
Classification: Uncertain significance. Last evaluated: 2023-10-07. Review status: criteria provided, single submitter. Criteria: Invitae Variant Classification Sherloc (09022015). Collection method: clinical testing. Allele origin: germline.
Comment: This sequence change replaces serine, which is neutral and polar, with proline, which is neutral and non-polar, at codon 223 of the SETBP1 protein (p.Ser223Pro). This variant is not present in population databases (gnomAD no frequency). This variant has not been reported in the literature in individuals affected with SETBP1-related conditions. ClinVar contains an entry for this variant (Variation ID: 1510046). Advanced modeling of protein sequence and biophysical properties (such as structural, functional, and spatial information, amino acid conservation, physicochemical variation, residue mobility, and thermodynamic stability) performed at Invitae indicates that this missense variant is not expected to disrupt SETBP1 protein function. In summary, the available evidence is currently insufficient to determine the role of this variant in disease. Therefore, it has been classified as a Variant of Uncertain Significance.